The following is an entry in ClinVar:

ClinVar aggregate classification (germline): Likely benign. Review status: criteria provided, multiple submitters, no conflicts (2 of 4 stars). 3 submissions from 3 submitters: Likely benign (3). Last evaluated 2026-05-06.

Conditions:
SLC22A4-related disorder. Also called: SLC22A4-related condition.

Submissions (3):

PreventionGenetics, part of Exact Sciences
Classification: Likely benign for SLC22A4-related condition. Last evaluated: 2026-05-06. Review status: criteria provided, single submitter. Criteria: ACMG Guidelines, 2015. Collection method: clinical testing. Allele origin: germline.
Comment: This variant is classified as likely benign based on ACMG/AMP sequence variant interpretation guidelines (Richards et al. 2015 PMID: 25741868, with internal and published modifications).

Labcorp Genetics (formerly Invitae), Labcorp
Classification: Likely benign. Last evaluated: 2025-12-15. Review status: criteria provided, single submitter. Criteria: Invitae Variant Classification Sherloc (09022015). Collection method: clinical testing. Allele origin: germline.

Blueprint Genetics
Classification: Likely benign. Last evaluated: 2022-10-26. Review status: criteria provided, single submitter. Criteria: ACMG Guidelines, 2015. Collection method: clinical testing. Allele origin: germline.

NM_003059.3(SLC22A4):c.1506C>A (p.Ile502=)

Genes: MIR3936HG (MIR3936 host gene; minus strand), SLC22A4 (solute carrier family 22 member 4; plus strand). Cytogenetic location: 5q31.1.
Variant type: single nucleotide variant.
Coding change: c.1506C>A on transcript NM_003059.3 (MANE Select); coding-DNA position 1506, C replaced by A.
Protein change: p.Ile502=; no amino-acid change (isoleucine 502 retained).
Molecular consequence: synonymous variant.
Genome position (GRCh38, 1-based): chr5:132,340,626, C>A. VCF-style: chr5-132340626-C-A. GRCh37 (hg19) VCF-style: chr5-131676319-C-A.
Other names: c.1506C>A (NM_003059.2).
Identifiers: ClinVar variation 3646034 (VCV003646034.4).